The following is an entry in ClinVar:

ClinVar aggregate classification (germline): Uncertain significance. Review status: criteria provided, multiple submitters, no conflicts (2 of 4 stars). 2 submissions from 2 submitters: Uncertain significance (2). Last evaluated 2025-09-15.

Conditions:
Cardiovascular phenotype. Identifiers: MedGen CN230736.
Distal myopathy with posterior leg and anterior hand involvement. Also called: WILLIAMS DISTAL MYOPATHY. Identifiers: Orphanet 63273, MedGen C3279722, MONDO:0013550, OMIM 614065.
Hypertrophic cardiomyopathy 26. Also called: Cardiomyopathy, familial hypertrophic, 26. Identifiers: Orphanet 75249, MedGen C4310749, MONDO:0014883, OMIM 617047.
Myofibrillar myopathy 5. Also called: FILAMINOPATHY, AUTOSOMAL DOMINANT; Filaminopathy (type). Identifiers: Orphanet 171445, MedGen C1836050, MONDO:0012289, OMIM 609524.

Allele frequency attached by ClinVar (database versions not stated): gnomAD exomes 0.00001.
gnomAD v4.1: 4 of 1,613,126 alleles (0.00025%); highest among the groups gnomAD compares: South Asian, 0.0011%; no homozygotes.

Submissions (2):

Labcorp Genetics (formerly Invitae), Labcorp
Classification: Uncertain significance for Distal myopathy with posterior leg and anterior hand involvement; Myofibrillar myopathy 5; Hypertrophic cardiomyopathy 26. Last evaluated: 2025-09-15. Review status: criteria provided, single submitter. Criteria: Invitae Variant Classification Sherloc (09022015). Collection method: clinical testing. Allele origin: germline.
Comment: This sequence change replaces threonine, which is neutral and polar, with isoleucine, which is neutral and non-polar, at codon 880 of the FLNC protein (p.Thr880Ile). This variant is present in population databases (no rsID available, gnomAD 0.003%). This variant has not been reported in the literature in individuals affected with FLNC-related conditions. ClinVar contains an entry for this variant (Variation ID: 1024876). An algorithm developed to predict the effect of missense changes on protein structure and function (PolyPhen-2) suggests that this variant is likely to be disruptive. In summary, the available evidence is currently insufficient to determine the role of this variant in disease. Therefore, it has been classified as a Variant of Uncertain Significance.

Ambry Genetics
Classification: Uncertain significance for Cardiovascular phenotype. Last evaluated: 2022-11-19. Review status: criteria provided, single submitter. Criteria: Ambry Variant Classification Scheme 2023. Collection method: clinical testing. Allele origin: germline.
Comment: The p.T880I variant (also known as c.2639C>T), located in coding exon 17 of the FLNC gene, results from a C to T substitution at nucleotide position 2639. The threonine at codon 880 is replaced by isoleucine, an amino acid with similar properties. This amino acid position is conserved. In addition, this alteration is predicted to be deleterious by in silico analysis. Since supporting evidence is limited at this time, the clinical significance of this alteration remains unclear.

NM_001458.5(FLNC):c.2639C>T (p.Thr880Ile)

Gene: FLNC (filamin C; plus strand). Cytogenetic location: 7q32.1.
Variant type: single nucleotide variant.
Coding change: c.2639C>T on transcript NM_001458.5 (MANE Select); coding-DNA position 2639, C replaced by T.
Protein change: p.Thr880Ile; replaces threonine 880 with isoleucine.
Molecular consequence: missense variant.
Genome position (GRCh38, 1-based): chr7:128,843,317, C>T. VCF-style: chr7-128843317-C-T. GRCh37 (hg19) VCF-style: chr7-128483371-C-T.
Other names: c.2639C>T (NM_001458.4); c.2639C>T, p.Thr880Ile (NM_001127487.2); short protein forms T880I.
Identifiers: ClinVar variation 1024876 (VCV001024876.13), dbSNP rs1324832799, ClinGen allele CA369192652.